The following is an entry in ClinVar:

ClinVar aggregate classification (germline): Pathogenic. Review status: criteria provided, multiple submitters, no conflicts (2 of 4 stars). 11 submissions from 11 submitters: Pathogenic (10). 1 of the submissions does not count toward it. Last evaluated 2025-05-08.

Conditions:
Progeroid and marfanoid aspect-lipodystrophy syndrome. Also called: MARFANOID-PROGEROID-LIPODYSTROPHY SYNDROME; Marfan lipodystrophy syndrome; MARFANOID-PROGEROID SYNDROME; MARFAN-PROGEROID-LIPODYSTROPHY SYNDROME. Identifiers: Orphanet 300382, MedGen C4310796, MONDO:0014831, OMIM 616914.
Marfan syndrome (MFS). Also called: FBN1-Related Marfan Syndrome; Marfan syndrome, classic; MARFAN SYNDROME, TYPE I; Marfan syndrome type 1; Marfan's syndrome. Identifiers: Orphanet 284963, Orphanet 558, MedGen C0024796, MONDO:0007947, OMIM 154700.
Familial thoracic aortic aneurysm and aortic dissection (TAAD). Also called: Thoracic aortic aneurysms and dissections. Identifiers: Orphanet 91387, MedGen C4707243, MONDO:0019625.
FBN1-related disorder. Also called: FBN1-related disorders.

Submissions (11):

Labcorp Genetics (formerly Invitae), Labcorp
Classification: Pathogenic for Marfan syndrome; Familial thoracic aortic aneurysm and aortic dissection. Last evaluated: 2025-05-08. Review status: criteria provided, single submitter. Criteria: Invitae Variant Classification Sherloc (09022015). Collection method: clinical testing. Allele origin: germline.
Comment: This sequence change creates a premature translational stop signal (p.Arg215*) in the FBN1 gene. It is expected to result in an absent or disrupted protein product. Loss-of-function variants in FBN1 are known to be pathogenic (PMID: 17657824, 19293843). This variant is not present in population databases (gnomAD no frequency). This premature translational stop signal has been observed in individuals with Marfan syndrome (PMID: 11139245, 16220557, 17657824, 27611364). ClinVar contains an entry for this variant (Variation ID: 42401). For these reasons, this variant has been classified as Pathogenic.

Ambry Genetics
Classification: Pathogenic for Familial thoracic aortic aneurysm and aortic dissection. Last evaluated: 2025-05-06. Review status: criteria provided, single submitter. Criteria: Ambry Variant Classification Scheme 2023. Collection method: clinical testing. Allele origin: germline.
Comment: The p.R215* pathogenic mutation (also known as c.643C>T), located in coding exon 6 of the FBN1 gene, results from a C to T substitution at nucleotide position 643. This changes the amino acid from an arginine to a stop codon within coding exon 6. This variant was reported in individual(s) with features consistent with Marfan syndrome (Matsukawa R et al. Hum Mutat. 2001;17(1):71-2). This variant is considered to be rare based on population cohorts in the Genome Aggregation Database (gnomAD). This alteration is expected to result in loss of function by premature protein truncation or nonsense-mediated mRNA decay. As such, this alteration is interpreted as a disease-causing mutation.

Laboratory of Genetics, Children's Clinical University Hospital Latvia
Classification: Pathogenic. Last evaluated: 2025-02-16. Review status: criteria provided, single submitter. Criteria: ACMG Guidelines, 2015. Collection method: clinical testing. Allele origin: germline. Affected: yes.

ARUP Laboratories, Molecular Genetics and Genomics, ARUP Laboratories
Classification: Pathogenic. Last evaluated: 2025-01-14. Review status: criteria provided, single submitter. Criteria: ARUP Molecular Germline Variant Investigation Process 2024. Collection method: clinical testing. Allele origin: germline.
Comment: The FBN1 c.643C>T; p.Arg215Ter variant (rs111687884) is reported in the literature in multiple individuals affected with Marfan syndrome (Bitarafan 2020, Karaoglan 2024, Loeys 2004, Matsukawa 2001, Rommel 2005). This variant is absent from the Genome Aggregation Database (v2.1.1), indicating it is not a common polymorphism. This variant induces an early termination codon and is predicted to result in a truncated protein or mRNA subject to nonsense-mediated decay. Based on available information, this variant is considered to be pathogenic. References: Bitarafan F et al. Three Novel Variants identified in FBN1 and TGFBR2 in seven Iranian families with suspected Marfan syndrome. Mol Genet Genomic Med. 2020 Aug;8(8):e1274. PMID: 32431097. Karaoglan M et al. Genotype and clinical phenotype of children with Marfan syndrome in Southeastern Anatolia. Eur J Pediatr. 2024 Aug;183(8):3219-3232. PMID: 38700693. Loeys B et al. Comprehensive molecular screening of the FBN1 gene favors locus homogeneity of classical Marfan syndrome. Hum Mutat. 2004; 24(2):140-6. PMID: 15241795. Matsukawa R et al. Eight novel mutations of the FBN1 gene found in Japanese patients with Marfan syndrome. Hum Mutat. 2001; 17(1):71-2. PMID: 11139245. Rommel K et al. Identification of 29 novel and nine recurrent fibrillin-1 (FBN1) mutations and genotype-phenotype correlations in 76 patients with Marfan syndrome. Hum Mutat. 2005; 26(6):529-39. PMID: 16220557.

Dasa
Classification: Pathogenic for Marfan syndrome. Last evaluated: 2022-11-03. Review status: criteria provided, single submitter. Criteria: ACMG Guidelines, 2015. Collection method: clinical testing. Allele origin: germline. Affected: yes. Observed: 1 variant allele.
Comment: The c.643C>T;p.(Arg215*) variant creates a premature translational stop signal in the FBN1 gene. It is expected to result in an absent or disrupted protein product - PVS1. This sequence change has been observed in affected individual(s) and ClinVar contains an entry for this variant (ClinVar ID: 42401; PMID: 11139245; 16220557; 17657824; 27611364; 32431097) - PS4. This variant is not present in population databases (rs111687884, gnomAD; ABraOM no frequency) - PM2. In summary, the currently available evidence indicates that the variant is pathogenic.

GeneDx
Classification: Pathogenic. Last evaluated: 2022-10-06. Review status: criteria provided, single submitter. Criteria: GeneDx Variant Classification Process June 2021. Collection method: clinical testing. Allele origin: germline. Affected: yes.
Comment: Not observed at significant frequency in large population cohorts (gnomAD); Nonsense variant predicted to result in protein truncation or nonsense mediated decay in a gene for which loss-of-function is a known mechanism of disease; This variant is associated with the following publications: (PMID: 25525159, 11139245, 31098894, 29357934, 32431097, 17657824, 19293843, 27234404, 27611364, 16220557, AgaogluNB2022, 15241795)

Blueprint Genetics
Classification: Pathogenic for FBN1-related disorders. Last evaluated: 2022-08-31. Review status: criteria provided, single submitter. Criteria: ACMG Guidelines, 2015. Collection method: clinical testing. Allele origin: germline. Affected: yes. Observed: 2 variant alleles.

AiLife Diagnostics
Classification: Pathogenic. Last evaluated: 2020-06-23. Review status: criteria provided, single submitter. Criteria: ACMG Guidelines, 2015. Collection method: clinical testing. Allele origin: germline. Affected: yes. Observed: 1 variant allele.

Centre for Mendelian Genomics, University Medical Centre Ljubljana
Classification: Pathogenic for Progeroid and marfanoid aspect-lipodystrophy syndrome. Last evaluated: 2016-01-01. Review status: criteria provided, single submitter. Criteria: ACMG Guidelines, 2015. Collection method: clinical testing. Allele origin: unknown. Affected: yes.
Comment: This variant was classified as: Pathogenic. The following ACMG criteria were applied in classifying this variant: PVS1,PS1,PM2.

Laboratory for Molecular Medicine, Mass General Brigham Personalized Medicine
Classification: Pathogenic for Marfan syndrome. Last evaluated: 2011-09-01. Review status: criteria provided, single submitter. Criteria: LMM Criteria. Collection method: clinical testing. Allele origin: germline. Observed: 1 variant allele.
Comment: The Arg215X variant has been reported in the literature in one individual with c linical features of Marfan syndrome (Matsukawa 2001). This variant leads to a pr emature stop codon at position 215, which is predicted to lead to a truncated or absent protein. Therefore, this variant is highly likely to be pathogenic.

Center for Medical Genetics Ghent, University of Ghent
Classification: Pathogenic for Marfan syndrome. Last evaluated: 2017-11-07. Review status: no assertion criteria provided. Collection method: clinical testing. Allele origin: germline. Affected: yes. Not counted in ClinVar's aggregate classification.

Literature cited by the submitters: PubMed 17657824 (cited by Labcorp Genetics (formerly Invitae), Labcorp and Dasa); PubMed 19293843 (cited by Labcorp Genetics (formerly Invitae), Labcorp); PubMed 11139245 (cited by 5 submitters); PubMed 16220557 (cited by Labcorp Genetics (formerly Invitae), Labcorp and Dasa); PubMed 27611364 (cited by Labcorp Genetics (formerly Invitae), Labcorp and Dasa); PubMed 32431097 (cited by Dasa); PubMed 29357934 (cited by AiLife Diagnostics); PubMed 31098894 (cited by AiLife Diagnostics); PubMed 25525159 (cited by AiLife Diagnostics).

NM_000138.5(FBN1):c.643C>T (p.Arg215Ter)

Gene: FBN1 (fibrillin 1; minus strand). Cytogenetic location: 15q21.1.
Variant type: single nucleotide variant.
Coding change: c.643C>T on transcript NM_000138.5 (MANE Select); coding-DNA position 643, C replaced by T.
Protein change: p.Arg215Ter; replaces arginine 215 with a stop codon.
Molecular consequence: nonsense.
Genome position (GRCh38, 1-based): chr15:48,537,704, G>A on the plus strand (C>T on the coding strand, the complement: FBN1 is on the minus strand). VCF-style: chr15-48537704-G-A. GRCh37 (hg19) VCF-style: chr15-48829901-G-A.
Other names: short protein forms R215*.
Identifiers: ClinVar variation 42401 (VCV000042401.30), dbSNP rs111687884, ClinGen allele CA016459.